The following is an entry in ClinVar:

ClinVar aggregate classification (germline): Uncertain significance. Review status: criteria provided, multiple submitters, no conflicts (2 of 4 stars). 2 submissions from 2 submitters: Uncertain significance (2). Last evaluated 2025-02-19.

Conditions:
Inborn genetic diseases. Identifiers: MedGen C0950123, MeSH D030342.

Allele frequency attached by ClinVar (database versions not stated): ExAC 0.00001; TOPMed 0.00004.
gnomAD v4.1: 15 of 1,612,388 alleles (0.00093%); highest among the groups gnomAD compares: African/African-American, 0.017%; no homozygotes.

Submissions (2):

Ambry Genetics
Classification: Uncertain significance for Inborn genetic diseases. Last evaluated: 2025-02-19. Review status: criteria provided, single submitter. Criteria: Ambry Variant Classification Scheme 2023. Collection method: clinical testing. Allele origin: germline.

Labcorp Genetics (formerly Invitae), Labcorp
Classification: Uncertain significance. Last evaluated: 2022-03-10. Review status: criteria provided, single submitter. Criteria: Invitae Variant Classification Sherloc (09022015). Collection method: clinical testing. Allele origin: germline.
Comment: This sequence change replaces glycine, which is neutral and non-polar, with valine, which is neutral and non-polar, at codon 62 of the PRDM13 protein (p.Gly62Val). This variant is present in population databases (rs747064381, gnomAD 0.02%). This variant has not been reported in the literature in individuals affected with PRDM13-related conditions. ClinVar contains an entry for this variant (Variation ID: 1059797). Algorithms developed to predict the effect of missense changes on protein structure and function are either unavailable or do not agree on the potential impact of this missense change (SIFT: "Deleterious"; PolyPhen-2: "Possibly Damaging"; Align-GVGD: "Class C0"). In summary, the available evidence is currently insufficient to determine the role of this variant in disease. Therefore, it has been classified as a Variant of Uncertain Significance.

NM_021620.4(PRDM13):c.185G>T (p.Gly62Val)

Gene: PRDM13 (PR/SET domain 13; plus strand). Cytogenetic location: 6q16.2.
Variant type: single nucleotide variant.
Coding change: c.185G>T on transcript NM_021620.4 (MANE Select); coding-DNA position 185, G replaced by T.
Protein change: p.Gly62Val; replaces glycine 62 with valine.
Molecular consequence: missense variant.
Genome position (GRCh38, 1-based): chr6:99,608,781, G>T. VCF-style: chr6-99608781-G-T. GRCh37 (hg19) VCF-style: chr6-100056657-G-T.
Other names: c.185G>T (NM_021620.3); short protein forms G62V.
Identifiers: ClinVar variation 1059797 (VCV001059797.10), dbSNP rs747064381, ClinGen allele CA3936134.